The following is an entry in ClinVar:

ClinVar aggregate classification (germline): Uncertain significance. Review status: criteria provided, multiple submitters, no conflicts (2 of 4 stars). 2 submissions from 2 submitters: Uncertain significance (2). Last evaluated 2026-01-07.

Allele frequency attached by ClinVar (database versions not stated): ExAC 0.00003; gnomAD 0.00005; TOPMed 0.00005; gnomAD exomes 0.00008; 1000 Genomes Project 30x 0.00016; 1000 Genomes Project 0.00020.
gnomAD v4.1: 121 of 1,613,900 alleles (0.0075%); highest among the groups gnomAD compares: African/African-American, 0.012%; no homozygotes.

Submissions (2):

Labcorp Genetics (formerly Invitae), Labcorp
Classification: Uncertain significance. Last evaluated: 2026-01-07. Review status: criteria provided, single submitter. Criteria: Invitae Variant Classification Sherloc (09022015). Collection method: clinical testing. Allele origin: germline.
Comment: This sequence change replaces arginine, which is basic and polar, with histidine, which is basic and polar, at codon 477 of the SLIT2 protein (p.Arg477His). This variant is present in population databases (rs192894188, gnomAD 0.02%). This variant has not been reported in the literature in individuals affected with SLIT2-related conditions. ClinVar contains an entry for this variant (Variation ID: 2188157). An algorithm developed to predict the effect of missense changes on protein structure and function (PolyPhen-2) suggests that this variant is likely to be disruptive. In summary, the available evidence is currently insufficient to determine the role of this variant in disease. Therefore, it has been classified as a Variant of Uncertain Significance.

Ambry Genetics
Classification: Uncertain significance. Last evaluated: 2021-08-02. Review status: criteria provided, single submitter. Criteria: Ambry Variant Classification Scheme 2023. Collection method: clinical testing. Allele origin: germline.

NM_004787.4(SLIT2):c.1430G>A (p.Arg477His)

Gene: SLIT2 (slit guidance ligand 2; plus strand). Cytogenetic location: 4p15.31.
Variant type: single nucleotide variant.
Coding change: c.1430G>A on transcript NM_004787.4 (MANE Select); coding-DNA position 1430, G replaced by A.
Protein change: p.Arg477His; replaces arginine 477 with histidine.
Molecular consequence: missense variant.
Genome position (GRCh38, 1-based): chr4:20,524,169, G>A. VCF-style: chr4-20524169-G-A. GRCh37 (hg19) VCF-style: chr4-20525792-G-A.
Other names: c.1442G>A, p.Arg481His (NM_001289135.3); c.1430G>A, p.Arg477His (NM_001289136.3); c.1430G>A (NM_004787.1); short protein forms R481H, R477H.
Identifiers: ClinVar variation 2188157 (VCV002188157.5), dbSNP rs192894188, ClinGen allele CA2871438.
Genomic context (GRCh38, chr4:20,524,169, plus strand): 5'-GCACCAGCCCCCGCCGCCTGGCAAACAAAAGAATTGGACAGATCAAAAGCAAGAAATTCC[G>A]TTGTTCAGGTAATTTCTTCACGTGTTATTTCCCCTGTGACCAACAACAATGGTTACATGA-3'
Protein context (NP_004778.1, residues 467-487): RIGQIKSKKF[Arg477His]CSAKEQYFIP